The following is an entry in ClinVar:

ClinVar aggregate classification (germline): Uncertain significance (1 of 4 stars; one submission).

Conditions:
Inborn genetic diseases. Identifiers: MedGen C0950123, MeSH D030342.

Submission:

Ambry Genetics
Classification: Uncertain significance for Inborn genetic diseases. Last evaluated: 2026-01-23. Review status: criteria provided, single submitter. Criteria: Ambry Variant Classification Scheme 2023. Collection method: clinical testing. Allele origin: germline.
Comment: The c.2943-2A>G intronic variant consists of an A to G substitution two nucleotide(s) before exon 18 (coding exon 18) of the UNC80 gene. Alterations that disrupt the canonical splice site are expected to result in aberrant splicing. The resulting transcript is predicted to be in-frame and is not expected to trigger nonsense-mediated mRNA decay, although direct evidence is unavailable. This variant was not reported in population-based cohorts in the Genome Aggregation Database (gnomAD). This nucleotide position is highly conserved in available vertebrate species. In silico splice site analysis predicts that this alteration will weaken the native splice acceptor site. Based on insufficient or conflicting evidence, the clinical significance of this alteration remains unclear.

NM_001371986.1(UNC80):c.2943-2A>G

Gene: UNC80 (unc-80 subunit of NALCN channel complex; plus strand). Cytogenetic location: 2q34.
Variant type: single nucleotide variant.
Coding change: c.2943-2A>G on transcript NM_001371986.1 (MANE Select); the canonical splice acceptor site of the intron before coding-DNA position 2943, A replaced by G.
Molecular consequence: splice acceptor variant.
Genome position (GRCh38, 1-based): chr2:209,834,910, A>G. VCF-style: chr2-209834910-A-G. GRCh37 (hg19) VCF-style: chr2-210699634-A-G.
Other names: c.2943-2A>G (NM_032504.2); c.2928-2A>G (NM_182587.4).
Identifiers: ClinVar variation 4833619 (VCV004833619.1).
Genomic context (GRCh38, chr2:209,834,910, plus strand): 5'-ATGAAGTATTAAGACTTGCTATCCTGCTCTGCTGTAATTGTTGGAATGCACCATTTGCAT[A>G]GGTCAGAGGCGGGAAGCATTGTGGATAAAGGCCAGGTATCCTCTGCACCTGAGGAATGTC-3'